The following is an entry in ClinVar:

NM_205861.3(DHDDS):c.543-4236G>A

Gene: DHDDS (dehydrodolichyl diphosphate synthase subunit; plus strand). Cytogenetic location: 1p36.11.
Variant type: single nucleotide variant.
Coding change: c.543-4236G>A on transcript NM_205861.3 (MANE Select); 4236 bases into the intron before coding-DNA position 543, G replaced by A.
Molecular consequence: intron variant.
Genome position (GRCh38, 1-based): chr1:26,453,555, G>A. VCF-style: chr1-26453555-G-A. GRCh37 (hg19) VCF-style: chr1-26780046-G-A.
Other names: c.264-4236G>A (NM_001319959.2); c.543-4236G>A (NM_024887.4); c.441-4236G>A (NM_001243564.2); c.426-4236G>A (NM_001243565.2).
Identifiers: ClinVar variation 4822724 (VCV004822724.4).

ClinVar aggregate classification (germline): Likely benign (1 of 4 stars; one submission).

gnomAD v4.1: 23 of 152,054 alleles (0.015%); highest among the groups gnomAD compares: African/African-American, 0.048%; no homozygotes.

Submission:

CeGaT Center for Human Genetics Tuebingen
Classification: Likely benign. Last evaluated: 2026-01-01. Review status: criteria provided, single submitter. Criteria: CeGaT Center For Human Genetics Tuebingen Variant Classification Criteria Version 2. Collection method: clinical testing. Allele origin: germline. Affected: yes. Observed: 1 variant allele.
Comment: DHDDS: BP4, BP7